The following is an entry in ClinVar:

NM_004415.4(DSP):c.120G>A (p.Met40Ile)

Genes: DSP (desmoplakin; plus strand), DSP-AS1 (DSP antisense RNA 1; minus strand). Cytogenetic location: 6p24.3.
Variant type: single nucleotide variant.
Coding change: c.120G>A on transcript NM_004415.4 (MANE Select); coding-DNA position 120, G replaced by A.
Protein change: p.Met40Ile; replaces methionine 40 with isoleucine.
Molecular consequence: missense variant.
Genome position (GRCh38, 1-based): chr6:7,542,035, G>A. VCF-style: chr6-7542035-G-A. GRCh37 (hg19) VCF-style: chr6-7542268-G-A.
Other names: c.120G>A, p.Met40Ile (NM_001008844.3, NM_001319034.2); short protein forms M40I.
Identifiers: ClinVar variation 926952 (VCV000926952.13), dbSNP rs1377575571, ClinGen allele CA362675867.

ClinVar aggregate classification (germline): Uncertain significance. Review status: criteria provided, multiple submitters, no conflicts (2 of 4 stars). 2 submissions from 2 submitters: Uncertain significance (2). Last evaluated 2024-03-06.

Conditions:
Arrhythmogenic right ventricular dysplasia 8 (ARVD8). Also called: Arrhythmogenic Right Ventricular Dysplasia/Cardiomyopathy 8; ARRHYTHMOGENIC RIGHT VENTRICULAR DYSPLASIA, FAMILIAL, 8; ARRHYTHMOGENIC RIGHT VENTRICULAR CARDIOMYOPATHY 8. Identifiers: MedGen C1843896, MONDO:0011831, OMIM 607450.
Arrhythmogenic cardiomyopathy with wooly hair and keratoderma. Also called: PALMOPLANTAR KERATODERMA WITH LEFT VENTRICULAR CARDIOMYOPATHY AND WOOLLY HAIR; Carvajal syndrome; Dilated cardiomyopathy with woolly hair and keratoderma; Arrhythmogenic cardiomyopathy with woolly hair and keratoderma. Identifiers: Orphanet 65282, MedGen C1854063, MONDO:0011581, OMIM 605676.
Cardiomyopathy (CMYO). Also called: Cardiomyopathies. Identifiers: Orphanet 167848, MedGen C0878544, MONDO:0004994, HP:0001638. Inheritance: Various modes of inheritance.

Allele frequency attached by ClinVar (database versions not stated): gnomAD exomes below 0.00001 and 0.00001.

Submissions (2):

Color Diagnostics, LLC DBA Color Health
Classification: Uncertain significance for Cardiomyopathy. Last evaluated: 2024-03-06. Review status: criteria provided, single submitter. Criteria: ACMG Guidelines, 2015. Collection method: clinical testing. Allele origin: germline.
Comment: This missense variant replaces methionine with isoleucine at codon 40 of the DSP protein. Computational prediction suggests that this variant may not impact protein structure and function (internally defined REVEL score threshold <= 0.5, PMID: 27666373). Splice site prediction tools suggest that this variant may not impact RNA splicing. To our knowledge, functional studies have not been performed for this variant. This variant has not been reported in individuals affected with cardiovascular disorders in the literature. This variant has been identified in 1/185426 chromosomes in the general population by the Genome Aggregation Database (gnomAD). The available evidence is insufficient to determine the role of this variant in disease conclusively. Therefore, this variant is classified as a Variant of Uncertain Significance.

Labcorp Genetics (formerly Invitae), Labcorp
Classification: Uncertain significance for Arrhythmogenic cardiomyopathy with wooly hair and keratoderma; Arrhythmogenic right ventricular dysplasia 8. Last evaluated: 2020-07-30. Review status: criteria provided, single submitter. Criteria: Invitae Variant Classification Sherloc (09022015). Collection method: clinical testing. Allele origin: germline.
Comment: In summary, the available evidence is currently insufficient to determine the role of this variant in disease. Therefore, it has been classified as a Variant of Uncertain Significance. Algorithms developed to predict the effect of missense changes on protein structure and function output the following: SIFT: "Tolerated"; PolyPhen-2: "Benign"; Align-GVGD: "Class C0". The isoleucine amino acid residue is found in multiple mammalian species, suggesting that this missense change does not adversely affect protein function. These predictions have not been confirmed by published functional studies and their clinical significance is uncertain. This variant has not been reported in the literature in individuals with DSP-related conditions. This variant is not present in population databases (ExAC no frequency). This sequence change replaces methionine with isoleucine at codon 40 of the DSP protein (p.Met40Ile). The methionine residue is weakly conserved and there is a small physicochemical difference between methionine and isoleucine.